The following is an entry in ClinVar:

ClinVar aggregate classification (germline): Uncertain significance. Review status: criteria provided, multiple submitters, no conflicts (2 of 4 stars). 2 submissions from 2 submitters: Uncertain significance (2). Last evaluated 2026-08-18.

Conditions:
PLXNA3-related disorder. Also called: PLXNA3-related condition.

gnomAD v4.1: 28 of 1,206,514 alleles (0.0023%); highest among the groups gnomAD compares: African/African-American, 0.014%; no homozygotes.

Submissions (2):

Ambry Genetics
Classification: Uncertain significance. Last evaluated: 2026-08-18. Review status: criteria provided, single submitter. Criteria: Ambry Variant Classification Scheme 2023. Collection method: clinical testing. Allele origin: germline.
Comment: The c.3278C>T (p.A1093V) alteration is located in exon 19 (coding exon 18) of the PLXNA3 gene. This alteration results from a C to T substitution at nucleotide position 3278, causing the alanine (A) at amino acid position 1093 to be replaced by a valine (V). Based on data from gnomAD, the T allele has an overall frequency of 0.002% (3/200994) total alleles studied. The highest observed frequency was 0.007% (2/28013) of Latino alleles. Based on insufficient or conflicting evidence, the clinical significance of this alteration remains unclear.

PreventionGenetics, part of Exact Sciences
Classification: Uncertain significance for PLXNA3-related condition. Last evaluated: 2025-05-27. Review status: criteria provided, single submitter. Criteria: ACMG Guidelines, 2015. Collection method: clinical testing. Allele origin: germline.
Comment: The PLXNA3 c.3278C>T variant is predicted to result in the amino acid substitution p.Ala1093Val. To our knowledge, this variant has not been reported in the literature. This variant is reported in 0.0071% of alleles in individuals of Latino descent in gnomAD. At this time, the clinical significance of this variant is uncertain due to the absence of conclusive functional and genetic evidence.

NM_017514.5(PLXNA3):c.3278C>T (p.Ala1093Val)

Gene: PLXNA3 (plexin A3; plus strand). Cytogenetic location: Xq28.
Variant type: single nucleotide variant.
Coding change: c.3278C>T on transcript NM_017514.5 (MANE Select); coding-DNA position 3278, C replaced by T.
Protein change: p.Ala1093Val; replaces alanine 1093 with valine.
Molecular consequence: missense variant.
Genome position (GRCh38, 1-based): chrX:154,467,308, C>T. VCF-style: chrX-154467308-C-T. GRCh37 (hg19) VCF-style: chrX-153695651-C-T.
Other names: short protein forms A1093V.
Identifiers: ClinVar variation 3307916 (VCV003307916.3).